The following is an entry in ClinVar:

NM_004706.4(ARHGEF1):c.824A>G (p.Asn275Ser)

Gene: ARHGEF1 (Rho guanine nucleotide exchange factor 1; plus strand). Cytogenetic location: 19q13.2.
Variant type: single nucleotide variant.
Coding change: c.824A>G on transcript NM_004706.4 (MANE Select); coding-DNA position 824, A replaced by G.
Protein change: p.Asn275Ser; replaces asparagine 275 with serine.
Molecular consequence: missense variant. On other transcripts: non-coding transcript variant (2).
Genome position (GRCh38, 1-based): chr19:41,894,530, A>G. VCF-style: chr19-41894530-A-G. GRCh37 (hg19) VCF-style: chr19-42398603-A-G.
Other names: c.824A>G, p.Asn275Ser (NM_001396000.1, NM_001396003.1, NM_001396006.1); c.725A>G, p.Asn242Ser (NM_001396002.1, NM_001396004.1, NM_198977.2); c.869A>G, p.Asn290Ser (NM_199002.2); c.869A>G (NM_199002.1); short protein forms N275S, N290S, N242S.
Identifiers: ClinVar variation 2984747 (VCV002984747.4), dbSNP rs2513809189, ClinGen allele CA406052719.

ClinVar aggregate classification (germline): Uncertain significance. Review status: criteria provided, multiple submitters, no conflicts (2 of 4 stars). 2 submissions from 2 submitters: Uncertain significance (2). Last evaluated 2025-08-08.

Submissions (2):

Ambry Genetics
Classification: Uncertain significance. Last evaluated: 2025-08-08. Review status: criteria provided, single submitter. Criteria: Ambry Variant Classification Scheme 2023. Collection method: clinical testing. Allele origin: germline.

Labcorp Genetics (formerly Invitae), Labcorp
Classification: Uncertain significance. Last evaluated: 2023-10-23. Review status: criteria provided, single submitter. Criteria: Invitae Variant Classification Sherloc (09022015). Collection method: clinical testing. Allele origin: germline.
Comment: This sequence change replaces asparagine, which is neutral and polar, with serine, which is neutral and polar, at codon 290 of the ARHGEF1 protein (p.Asn290Ser). This variant is not present in population databases (gnomAD no frequency). This variant has not been reported in the literature in individuals affected with ARHGEF1-related conditions. An algorithm developed to predict the effect of missense changes on protein structure and function (PolyPhen-2) suggests that this variant is likely to be disruptive. In summary, the available evidence is currently insufficient to determine the role of this variant in disease. Therefore, it has been classified as a Variant of Uncertain Significance.